The following is an entry in ClinVar:

NM_001174147.2(LMX1B):c.*515A>G

Gene: LMX1B (LIM homeobox transcription factor 1 beta; plus strand). Cytogenetic location: 9q33.3.
Variant type: single nucleotide variant.
Coding change: c.*515A>G on transcript NM_001174147.2 (MANE Select); 515 bases downstream of the stop codon, A replaced by G.
Molecular consequence: 3 prime UTR variant.
Genome position (GRCh38, 1-based): chr9:126,696,966, A>G. VCF-style: chr9-126696966-A-G. GRCh37 (hg19) VCF-style: chr9-129459245-A-G.
Other names: c.*515A>G (NM_001174146.2, NM_002316.4).
Identifiers: ClinVar variation 364906 (VCV000364906.6), dbSNP rs112375232, ClinGen allele CA10632272.

ClinVar aggregate classification (germline): Benign. Review status: criteria provided, multiple submitters, no conflicts (2 of 4 stars). 2 submissions from 2 submitters: Benign (2). Last evaluated 2018-01-12.

Conditions:
Nail-patella syndrome (NPS). Also called: FONG DISEASE; ONYCHOOSTEODYSPLASIA; TURNER-KIESER SYNDROME. Identifiers: Orphanet 2614, MedGen C0027341, MONDO:0008061, OMIM 161200.

Allele frequency attached by ClinVar (database versions not stated): gnomAD exomes 0.00441; 1000 Genomes Project 30x 0.00937; 1000 Genomes Project 0.00938; gnomAD 0.01001 and 0.01060; TOPMed 0.01091.
gnomAD v4.1: 1,640 of 178,058 alleles (0.92%); highest among the groups gnomAD compares: African/African-American, 2.7%; 20 homozygotes.

Submissions (2):

Illumina Laboratory Services, Illumina
Classification: Benign for Nail-patella syndrome. Last evaluated: 2018-01-12. Review status: criteria provided, single submitter. Criteria: ICSL Variant Classification Criteria 13 December 2019. Collection method: clinical testing. Allele origin: germline.
Comment: This variant was observed in the ICSL laboratory as part of a predisposition screen in an ostensibly healthy population. It had not been previously curated by ICSL or reported in the Human Gene Mutation Database (HGMD: prior to June 1st, 2018), and was therefore a candidate for classification through an automated scoring system. Utilizing variant allele frequency, disease prevalence and penetrance estimates, and inheritance mode, an automated score was calculated to assess if this variant is too frequent to cause the disease. Based on the score and internal cut-off values, a variant classified as benign is not then subjected to further curation. The score for this variant resulted in a classification of benign for this disease.

Breakthrough Genomics
Classification: Benign. Review status: criteria provided, single submitter. Criteria: ACMG Guidelines, 2015. Collection method: not provided. Allele origin: germline. Inheritance: Autosomal dominant inheritance. Affected: yes.